The following is an entry in ClinVar:

ClinVar aggregate classification (germline): Likely benign (1 of 4 stars; one submission).

Conditions:
TNC-related disorder. Also called: TNC-related condition.

gnomAD v4.1: 145 of 1,613,758 alleles (0.009%); highest among the groups gnomAD compares: Non-Finnish European, 0.012%; no homozygotes.

Submission:

PreventionGenetics, part of Exact Sciences
Classification: Likely benign for TNC-related condition. Last evaluated: 2024-11-27. Review status: criteria provided, single submitter. Criteria: ACMG Guidelines, 2015. Collection method: clinical testing. Allele origin: germline.
Comment: This variant is classified as likely benign based on ACMG/AMP sequence variant interpretation guidelines (Richards et al. 2015 PMID: 25741868, with internal and published modifications).

NM_002160.4(TNC):c.5394T>C (p.Ala1798=)

Gene: TNC (tenascin C; minus strand). Cytogenetic location: 9q33.1.
Variant type: single nucleotide variant.
Coding change: c.5394T>C on transcript NM_002160.4 (MANE Select); coding-DNA position 5394, T replaced by C.
Protein change: p.Ala1798=; no amino-acid change (alanine 1798 retained).
Molecular consequence: synonymous variant.
Genome position (GRCh38, 1-based): chr9:115,038,379, A>G on the plus strand (T>C on the coding strand, the complement: TNC is on the minus strand). VCF-style: chr9-115038379-A-G. GRCh37 (hg19) VCF-style: chr9-117800658-A-G.
Other names: c.4848T>C, p.Ala1616= (NM_001410991.1, NM_001439083.1, NM_001439084.1 and 2 more transcripts); c.5943T>C, p.Ala1981= (NM_001439065.1, NM_001439066.1, NM_001439067.1); c.5670T>C, p.Ala1890= (NM_001439068.1, NM_001439069.1, NM_001439070.1); c.5667T>C, p.Ala1889= (NM_001439071.1); c.5397T>C, p.Ala1799= (NM_001439072.1, NM_001439073.1); c.5394T>C, p.Ala1798= (NM_001439074.1, NM_001439075.1, NM_001439076.1); c.5121T>C, p.Ala1707= (NM_001439077.1, NM_001439078.1, NM_001439079.1 and 3 more transcripts); c.4575T>C, p.Ala1525= (NM_001439087.1, NM_001439088.1); and 4 more.
Identifiers: ClinVar variation 4978442 (VCV004978442.1).